The following is an entry in ClinVar:

NM_001008537.3(NEXMIF):c.2782C>T (p.Leu928Phe)

Gene: NEXMIF (neurite extension and migration factor; minus strand). Cytogenetic location: Xq13.3.
Variant type: single nucleotide variant.
Coding change: c.2782C>T on transcript NM_001008537.3 (MANE Select); coding-DNA position 2782, C replaced by T.
Protein change: p.Leu928Phe; replaces leucine 928 with phenylalanine.
Molecular consequence: missense variant.
Genome position (GRCh38, 1-based): chrX:74,741,775, G>A on the plus strand (C>T on the coding strand, the complement: NEXMIF is on the minus strand). VCF-style: chrX-74741775-G-A. GRCh37 (hg19) VCF-style: chrX-73961610-G-A.
Other names: short protein forms L928F.
Identifiers: ClinVar variation 1517672 (VCV001517672.9), dbSNP rs2080105276, ClinGen allele CA413667441.
Genomic context (GRCh38, chrX:74,741,775, plus strand): 5'-CCTTGTTGCAATTACTGCCACCACTATTGAGACAGATTGGATTGTATGTTGTAGGTGTGA[G>A]GTTATTTTCCATGGAGACTACTTGGGAGGCTCCAAATTCACTGGATTGGGTTGGGGCTAT-3'
Protein context (NP_001008537.1, residues 918-938): ASQVVSMENN[Leu928Phe]TPTTYNPICL

ClinVar aggregate classification (germline): Uncertain significance. Review status: criteria provided, multiple submitters, no conflicts (2 of 4 stars). 2 submissions from 2 submitters: Uncertain significance (2). Last evaluated 2025-05-07.

Allele frequency attached by ClinVar (database versions not stated): gnomAD 0.00001.
gnomAD v4.1: 1 of 1,210,238 alleles (0.000083%); highest among the groups gnomAD compares: Admixed American, 0.0022%; no homozygotes.

Submissions (2):

Labcorp Genetics (formerly Invitae), Labcorp
Classification: Uncertain significance. Last evaluated: 2025-05-07. Review status: criteria provided, single submitter. Criteria: Invitae Variant Classification Sherloc (09022015). Collection method: clinical testing. Allele origin: germline.
Comment: This sequence change replaces leucine, which is neutral and non-polar, with phenylalanine, which is neutral and non-polar, at codon 928 of the NEXMIF protein (p.Leu928Phe). This variant is not present in population databases (gnomAD no frequency). This variant has not been reported in the literature in individuals affected with NEXMIF-related conditions. ClinVar contains an entry for this variant (Variation ID: 1517672). An algorithm developed to predict the effect of missense changes on protein structure and function (PolyPhen-2) suggests that this variant is likely to be disruptive. In summary, the available evidence is currently insufficient to determine the role of this variant in disease. Therefore, it has been classified as a Variant of Uncertain Significance.

Blueprint Genetics
Classification: Uncertain significance. Last evaluated: 2022-07-26. Review status: criteria provided, single submitter. Criteria: ACMG Guidelines, 2015. Collection method: clinical testing. Allele origin: germline.